The following is an entry in ClinVar:

NM_006767.4(LZTR1):c.1486G>C (p.Ala496Pro)

Gene: LZTR1 (leucine zipper like post translational regulator 1; plus strand). Cytogenetic location: 22q11.21.
Variant type: single nucleotide variant.
Coding change: c.1486G>C on transcript NM_006767.4 (MANE Select); coding-DNA position 1486, G replaced by C.
Protein change: p.Ala496Pro; replaces alanine 496 with proline.
Molecular consequence: missense variant.
Genome position (GRCh38, 1-based): chr22:20,994,140, G>C. VCF-style: chr22-20994140-G-C. GRCh37 (hg19) VCF-style: chr22-21348429-G-C.
Other names: short protein forms A496P.
Identifiers: ClinVar variation 1773677 (VCV001773677.2), dbSNP rs745425828, ClinGen allele CA410775591.

ClinVar aggregate classification (germline): Uncertain significance (1 of 4 stars; one submission).

Conditions:
Cardiovascular phenotype. Identifiers: MedGen CN230736.
Hereditary cancer-predisposing syndrome. Also called: Hereditary Cancer Syndrome; Hereditary neoplastic syndrome; Neoplastic Syndromes, Hereditary; Tumor predisposition. Identifiers: Orphanet 140162, MedGen C0027672, MeSH D009386, MONDO:0015356.

Submission:

Ambry Genetics
Classification: Uncertain significance for Cardiovascular phenotype; Hereditary cancer-predisposing syndrome. Last evaluated: 2022-06-04. Review status: criteria provided, single submitter. Criteria: Ambry Variant Classification Scheme 2023. Collection method: clinical testing. Allele origin: germline.
Comment: The p.A496P variant (also known as c.1486G>C), located in coding exon 14 of the LZTR1 gene, results from a G to C substitution at nucleotide position 1486. The alanine at codon 496 is replaced by proline, an amino acid with highly similar properties. This amino acid position is conserved. In addition, this alteration is predicted to be tolerated by in silico analysis. Since supporting evidence is limited at this time, the clinical significance of this alteration remains unclear.